The following is an entry in ClinVar:

ClinVar aggregate classification (germline): Uncertain significance (1 of 4 stars; one submission).

Conditions:
Lower motor neuron syndrome with late-adult onset (SMAJ). Also called: Spinal muscular atrophy, Jokela type; Late-Onset Spinal Motor Neuronopathy (SMAJ). Identifiers: Orphanet 276435, MedGen C3554398, MONDO:0014025, OMIM 615048.
Frontotemporal dementia and/or amyotrophic lateral sclerosis 2. Also called: FTDALS2. Identifiers: Orphanet 275872, MedGen C4014648, MONDO:0014395, OMIM 615911.
Autosomal dominant mitochondrial myopathy with exercise intolerance (IMMD). Also called: Myopathy, isolated mitochondrial, autosomal dominant. Identifiers: Orphanet 457050, MedGen C4015513, MONDO:0014532, OMIM 616209.

Submission:

Labcorp Genetics (formerly Invitae), Labcorp
Classification: Uncertain significance for Lower motor neuron syndrome with late-adult onset; Frontotemporal dementia and/or amyotrophic lateral sclerosis 2; Autosomal dominant mitochondrial myopathy with exercise intolerance. Last evaluated: 2024-01-25. Review status: criteria provided, single submitter. Criteria: Invitae Variant Classification Sherloc (09022015). Collection method: clinical testing. Allele origin: unknown.
Comment: A copy number gain of the genomic region encompassing the full coding sequence of the CHCHD10 gene has been identified. The boundaries of this event are unknown as they extend beyond the assayed region for this gene and therefore may encompass additional genes. As the precise location of this event is unknown, it may be in tandem or it may be located elsewhere in the genome. This variant has not been reported in the literature in individuals affected with CHCHD10-related conditions. In summary, the available evidence is currently insufficient to determine the role of this variant in disease. Therefore, it has been classified as a Variant of Uncertain Significance.

NC_000022.10:g.(?_24108194)_(24110061_?)dup

Gene: CHCHD10 (coiled-coil-helix-coiled-coil-helix domain containing 10; minus strand). Cytogenetic location: 22q11.23.
Variant type: Duplication.
Identifiers: ClinVar variation 3248007 (VCV003248007.1).